The following is an entry in ClinVar:

ClinVar aggregate classification (germline): Uncertain significance (1 of 4 stars; one submission).

Conditions:
Hereditary cancer-predisposing syndrome. Also called: Neoplastic Syndromes, Hereditary; Hereditary neoplastic syndrome; Tumor predisposition; Hereditary Cancer Syndrome. Identifiers: Orphanet 140162, MedGen C0027672, MeSH D009386, MONDO:0015356.

Submission:

Color Diagnostics, LLC DBA Color Health
Classification: Uncertain significance for Hereditary cancer-predisposing syndrome. Last evaluated: 2025-11-24. Review status: criteria provided, single submitter. Criteria: ACMG Guidelines, 2015. Collection method: clinical testing. Allele origin: germline.
Comment: This variant is located in the 3' untranslated region of the MSH6 gene. To our knowledge, functional studies have not been reported for this variant. This variant has not been reported in individuals affected with MSH6-related disorders in the literature. This variant has been identified in 1/1602838 chromosomes in the general population by the Genome Aggregation Database (gnomAD). The available evidence is insufficient to determine the role of this variant in disease conclusively. Therefore, this variant is classified as a Variant of Uncertain Significance.

NM_000179.3(MSH6):c.*5_*19dup

Gene: MSH6 (mutS homolog 6; plus strand). Cytogenetic location: 2p16.3.
Variant type: Duplication.
Coding change: c.*5_*19dup on transcript NM_000179.3 (MANE Select); 5 bases downstream of the stop codon through 19 bases downstream of the stop codon, 15 bases duplicated (ACTACATTGGAAGCT).
Molecular consequence: 3 prime UTR variant. On other transcripts: non-coding transcript variant (5).
Genome position (GRCh38, 1-based): chr2:47,806,865-47,806,879, ACTACATTGGAAGCT duplicated. VCF-style (leftmost placement, unchanged base first): chr2-47806864-G-GACTACATTGGAAGCT. GRCh37 (hg19) VCF-style: chr2-48034003-G-GACTACATTGGAAGCT.
Other names: c.*5_*19dup (NM_001281492.2, NM_001281493.2, NM_001281494.2 and 33 more transcripts); c.*109_*123dup (NM_001406800.1); c.*69_*83dup (NM_001406801.1, NM_001406802.1, NM_001406808.1 and 1 more transcripts).
Identifiers: ClinVar variation 4759165 (VCV004759165.1).